The following is an entry in ClinVar:

ClinVar aggregate classification (germline): Uncertain significance (1 of 4 stars; one submission).

Submission:

Ambry Genetics
Classification: Uncertain significance. Last evaluated: 2025-10-10. Review status: criteria provided, single submitter. Criteria: Ambry Variant Classification Scheme 2023. Collection method: clinical testing. Allele origin: germline.
Comment: The p.S1702F variant (also known as c.5105C>T), located in coding exon 44 of the KIF1B gene, results from a C to T substitution at nucleotide position 5105. The serine at codon 1702 is replaced by phenylalanine, an amino acid with highly dissimilar properties. This amino acid position is conserved. In addition, this alteration is predicted to be deleterious by in silico analysis. Based on the available evidence, the clinical significance of this variant remains unclear.

NM_001365951.3(KIF1B):c.5243C>T (p.Ser1748Phe)

Gene: KIF1B (kinesin family member 1B; plus strand). Cytogenetic location: 1p36.22.
Variant type: single nucleotide variant.
Coding change: c.5243C>T on transcript NM_001365951.3 (MANE Select); coding-DNA position 5243, C replaced by T.
Protein change: p.Ser1748Phe; replaces serine 1748 with phenylalanine.
Molecular consequence: missense variant.
Genome position (GRCh38, 1-based): chr1:10,375,000, C>T. VCF-style: chr1-10375000-C-T. GRCh37 (hg19) VCF-style: chr1-10435058-C-T.
Other names: c.5243C>T, p.Ser1748Phe (NM_001365952.1); c.5105C>T, p.Ser1702Phe (NM_015074.3); short protein forms S1702F, S1748F.
Identifiers: ClinVar variation 4543642 (VCV004543642.1).